The following is an entry in ClinVar:

NM_198253.3(TERT):c.1604G>A (p.Arg535His)

Gene: TERT (telomerase reverse transcriptase; minus strand). Cytogenetic location: 5p15.33.
Variant type: single nucleotide variant.
Coding change: c.1604G>A on transcript NM_198253.3 (MANE Select); coding-DNA position 1604, G replaced by A.
Protein change: p.Arg535His; replaces arginine 535 with histidine.
Molecular consequence: missense variant. On other transcripts: non-coding transcript variant (2).
Genome position (GRCh38, 1-based): chr5:1,282,594, C>T on the plus strand (G>A on the coding strand, the complement: TERT is on the minus strand). VCF-style: chr5-1282594-C-T. GRCh37 (hg19) VCF-style: chr5-1282709-C-T.
Other names: c.1604G>A, p.Arg535His (NM_001193376.3); short protein forms R535H.
Identifiers: ClinVar variation 539211 (VCV000539211.18), dbSNP rs768398955, ClinGen allele CA3184795.

ClinVar aggregate classification (germline): Uncertain significance. Review status: criteria provided, multiple submitters, no conflicts (2 of 4 stars). 6 submissions from 6 submitters: Uncertain significance (6). Last evaluated 2026-01-08.

Conditions:
Idiopathic Pulmonary Fibrosis. Also called: Idiopathic fibrosing alveolitis, chronic form; idiopathic fibrosing alveolitis. Identifiers: Orphanet 2032, MedGen C1800706, MeSH D054990, MONDO:0800504.
Dyskeratosis congenita, autosomal dominant 2. Identifiers: MedGen C3151443, MONDO:0013521, OMIM 613989.
TERT-related disorder. Also called: TERT-related disorders; TERT-related condition.
Dyskeratosis congenita. Identifiers: Orphanet 1775, MedGen C0265965, MONDO:0015780.

Allele frequency attached by ClinVar (database versions not stated): gnomAD 0.00001; gnomAD exomes 0.00002 and 0.00003; TOPMed 0.00002; ExAC 0.00004.
gnomAD v4.1: 48 of 1,613,976 alleles (0.003%); highest among the groups gnomAD compares: Non-Finnish European, 0.0036%; no homozygotes.

Submissions (6):

Labcorp Genetics (formerly Invitae), Labcorp
Classification: Uncertain significance for Dyskeratosis congenita, autosomal dominant 2; Idiopathic Pulmonary Fibrosis. Last evaluated: 2026-01-08. Review status: criteria provided, single submitter. Criteria: Invitae Variant Classification Sherloc (09022015). Collection method: clinical testing. Allele origin: germline.
Comment: This sequence change replaces arginine, which is basic and polar, with histidine, which is basic and polar, at codon 535 of the TERT protein (p.Arg535His). This variant is present in population databases (rs768398955, gnomAD 0.006%). This variant has not been reported in the literature in individuals affected with TERT-related conditions. ClinVar contains an entry for this variant (Variation ID: 539211). Invitae Evidence Modeling of protein sequence and biophysical properties (such as structural, functional, and spatial information, amino acid conservation, physicochemical variation, residue mobility, and thermodynamic stability) has been performed for this missense variant. However, the output from this modeling did not meet the statistical confidence thresholds required to predict the impact of this variant on TERT protein function. In summary, the available evidence is currently insufficient to determine the role of this variant in disease. Therefore, it has been classified as a Variant of Uncertain Significance.

PreventionGenetics, part of Exact Sciences
Classification: Uncertain significance for TERT-related condition. Last evaluated: 2025-06-04. Review status: criteria provided, single submitter. Criteria: ACMG Guidelines, 2015. Collection method: clinical testing. Allele origin: germline.
Comment: The TERT c.1604G>A variant is predicted to result in the amino acid substitution p.Arg535His. To our knowledge, this variant has not been reported in the literature. This variant is reported in 0.0065% of alleles in individuals of South Asian descent in gnomAD and has been interpreted as uncertain in ClinVar. At this time, the clinical significance of this variant is uncertain due to the absence of conclusive functional and genetic evidence.

Ambry Genetics
Classification: Uncertain significance for Dyskeratosis congenita. Last evaluated: 2025-01-02. Review status: criteria provided, single submitter. Criteria: Ambry Variant Classification Scheme 2023. Collection method: clinical testing. Allele origin: germline.
Comment: The p.R535H variant (also known as c.1604G>A), located in coding exon 3 of the TERT gene, results from a G to A substitution at nucleotide position 1604. The arginine at codon 535 is replaced by histidine, an amino acid with highly similar properties. This amino acid position is well conserved in available vertebrate species. In addition, this alteration is predicted to be tolerated by in silico analysis. Based on the available evidence, the clinical significance of this variant remains unclear.

Baylor Genetics
Classification: Uncertain significance for Dyskeratosis congenita, autosomal dominant 2. Last evaluated: 2023-12-18. Review status: criteria provided, single submitter. Criteria: ACMG Guidelines, 2015. Collection method: clinical testing. Allele origin: unknown.

GeneDx
Classification: Uncertain significance. Last evaluated: 2023-12-11. Review status: criteria provided, single submitter. Criteria: GeneDx Variant Classification Process June 2021. Collection method: clinical testing. Allele origin: germline. Affected: yes.
Comment: In silico analysis supports that this missense variant does not alter protein structure/function; Has not been previously published as pathogenic or benign in association with TERT-related disorders to our knowledge; This variant is associated with the following publications: (PMID: 35794571, 29641532)

Laboratory for Molecular Medicine, Mass General Brigham Personalized Medicine
Classification: Uncertain significance. Last evaluated: 2019-06-11. Review status: criteria provided, single submitter. Criteria: LMM Criteria. Collection method: clinical testing. Allele origin: germline. Observed: 1 variant allele.
Comment: The p.Arg535His variant in TERT has not been previously reported in individuals with short telomere syndrome or related phenotypes but has been identified in 7/282336 chromosomes by gnomAD. It has also been reported in ClinVar (Variation ID# 539211). Computational prediction tools and conservation analysis do not provide strong support for or against an impact to the protein. In summary, the clinical significance of this variant is uncertain. ACMG/AMP Criteria applied: None.